The following is an entry in ClinVar:

ClinVar aggregate classification (germline): Uncertain significance (1 of 4 stars; one submission).

Conditions:
X-linked lymphoproliferative disease due to XIAP deficiency. Also called: XIAP-Related Lymphoproliferative Disease, X-Linked; XIAP DEFICIENCY. Identifiers: Orphanet 2442, Orphanet 538934, MedGen C1845076, MONDO:0010385, OMIM 300635.

Allele frequency attached by ClinVar (database versions not stated): gnomAD exomes below 0.00001; ExAC 0.00001.
gnomAD v4.1: 1 of 1,203,735 alleles (0.000083%); highest among the groups gnomAD compares: Non-Finnish European, 0.00011%; no homozygotes.

Submission:

Labcorp Genetics (formerly Invitae), Labcorp
Classification: Uncertain significance for X-linked lymphoproliferative disease due to XIAP deficiency. Last evaluated: 2026-01-17. Review status: criteria provided, single submitter. Criteria: Invitae Variant Classification Sherloc (09022015). Collection method: clinical testing. Allele origin: germline.
Comment: This sequence change falls in intron 3 of the XIAP gene. It does not directly change the encoded amino acid sequence of the XIAP protein. It affects a nucleotide within the consensus splice site. This variant is present in population databases (rs765156962, gnomAD 0.001%). This variant has not been reported in the literature in individuals affected with XIAP-related conditions. ClinVar contains an entry for this variant (Variation ID: 2907668). Variants that disrupt the consensus splice site are a relatively common cause of aberrant splicing (PMID: 17576681, 9536098). Algorithms developed to predict the effect of sequence changes on RNA splicing suggest that this variant may disrupt the consensus splice site. In summary, the available evidence is currently insufficient to determine the role of this variant in disease. Therefore, it has been classified as a Variant of Uncertain Significance.

Literature cited by the submitters: PubMed 17576681; PubMed 9536098.

NM_001167.4(XIAP):c.977+4A>G

Gene: XIAP (X-linked inhibitor of apoptosis; plus strand). Cytogenetic location: Xq25.
Variant type: single nucleotide variant.
Coding change: c.977+4A>G on transcript NM_001167.4 (MANE Select); 4 bases into the intron after coding-DNA position 977, A replaced by G.
Molecular consequence: intron variant.
Genome position (GRCh38, 1-based): chrX:123,888,722, A>G. VCF-style: chrX-123888722-A-G. GRCh37 (hg19) VCF-style: chrX-123022572-A-G.
Other names: c.977+4A>G (NM_001378592.1, NM_001378591.1, NM_001204401.2 and 1 more transcripts).
Identifiers: ClinVar variation 2907668 (VCV002907668.3), dbSNP rs765156962, ClinGen allele CA10508083.